The following is an entry in ClinVar:

ClinVar aggregate classification (germline): Uncertain significance (1 of 4 stars; one submission).

Conditions:
Hereditary breast ovarian cancer syndrome. Also called: Hereditary breast and ovarian cancer syndrome (HBOC); Breast and ovarian cancer; BRCA1- and BRCA2-Associated Hereditary Breast and Ovarian Cancer; Hereditary breast and ovarian cancer syndrome; Hereditary breast and ovarian cancer; Hereditary breast and/or ovarian cancer syndrome. Identifiers: Orphanet 145, MedGen C0677776, MeSH D061325, MONDO:0003582. Disease mechanism: loss of function.

Submission:

Labcorp Genetics (formerly Invitae), Labcorp
Classification: Uncertain significance for Hereditary breast ovarian cancer syndrome. Last evaluated: 2023-02-18. Review status: criteria provided, single submitter. Criteria: Invitae Variant Classification Sherloc (09022015). Collection method: clinical testing. Allele origin: germline.
Comment: In summary, the available evidence is currently insufficient to determine the role of this variant in disease. Therefore, it has been classified as a Variant of Uncertain Significance. This variant is not present in population databases (gnomAD no frequency). This variant has not been reported in the literature in individuals affected with BRCA2-related conditions. Advanced modeling of protein sequence and biophysical properties (such as structural, functional, and spatial information, amino acid conservation, physicochemical variation, residue mobility, and thermodynamic stability) performed at Invitae indicates that this missense variant is not expected to disrupt BRCA2 protein function. This sequence change replaces lysine, which is basic and polar, with glutamine, which is neutral and polar, at codon 1888 of the BRCA2 protein (p.Lys1888Gln).

NM_000059.4(BRCA2):c.5662A>C (p.Lys1888Gln)

Gene: BRCA2 (BRCA2 DNA repair associated; plus strand). Cytogenetic location: 13q13.1.
Variant type: single nucleotide variant.
Coding change: c.5662A>C on transcript NM_000059.4 (MANE Select); coding-DNA position 5662, A replaced by C.
Protein change: p.Lys1888Gln; replaces lysine 1888 with glutamine.
Molecular consequence: missense variant. On other transcripts: non-coding transcript variant (1), intron variant (2).
Genome position (GRCh38, 1-based): chr13:32,340,017, A>C. VCF-style: chr13-32340017-A-C. GRCh37 (hg19) VCF-style: chr13-32914154-A-C.
Other names: c.5662A>C, p.Lys1888Gln (NM_001406719.1, NM_001406720.1); c.1910-4541A>C (NM_001406721.1); c.425-4541A>C (NM_001406722.1); short protein forms K1888Q.
Identifiers: ClinVar variation 2838686 (VCV002838686.3), dbSNP rs2137519643, ClinGen allele CA387786182.